The following is an entry in ClinVar:

NM_018006.5(TRMU):c.479-10T>C

Gene: TRMU (tRNA mitochondrial 2-thiouridylase; plus strand). Cytogenetic location: 22q13.31.
Variant type: single nucleotide variant.
Coding change: c.479-10T>C on transcript NM_018006.5 (MANE Select); 10 bases into the intron before coding-DNA position 479, T replaced by C.
Molecular consequence: intron variant.
Genome position (GRCh38, 1-based): chr22:46,350,281, T>C. VCF-style: chr22-46350281-T-C. GRCh37 (hg19) VCF-style: chr22-46746178-T-C.
Other names: c.479-10T>C (NM_001282785.2); c.137-10T>C (NM_001282782.2); c.118-69T>C (NM_001282783.2, NM_001282784.2).
Identifiers: ClinVar variation 511011 (VCV000511011.14), dbSNP rs202070165, ClinGen allele CA10292076.

ClinVar aggregate classification (germline): Likely benign. Review status: criteria provided, multiple submitters, no conflicts (2 of 4 stars). 3 submissions from 3 submitters: Likely benign (2). 1 of the submissions does not count toward it. Last evaluated 2026-01-28.

Conditions:
TRMU-related disorder. Also called: TRMU-related condition.

Allele frequency attached by ClinVar (database versions not stated): 1000 Genomes Project 30x 0.00016; 1000 Genomes Project 0.00020; gnomAD exomes 0.00023 and 0.00014; ESP Exome Variant Server 0.00031; gnomAD 0.00009; TOPMed 0.00009; ExAC 0.00011.
gnomAD v4.1: 347 of 1,614,206 alleles (0.021%); highest among the groups gnomAD compares: Middle Eastern, 0.049%; no homozygotes.

Submissions (3):

Labcorp Genetics (formerly Invitae), Labcorp
Classification: Likely benign. Last evaluated: 2026-01-28. Review status: criteria provided, single submitter. Criteria: Invitae Variant Classification Sherloc (09022015). Collection method: clinical testing. Allele origin: germline.

GeneDx
Classification: Likely benign. Last evaluated: 2017-08-08. Review status: criteria provided, single submitter. Criteria: GeneDx Variant Classification (06012015). Collection method: clinical testing. Allele origin: germline. Affected: yes.
Comment: This variant is considered likely benign or benign based on one or more of the following criteria: it is a conservative change, it occurs at a poorly conserved position in the protein, it is predicted to be benign by multiple in silico algorithms, and/or has population frequency not consistent with disease.

PreventionGenetics, part of Exact Sciences
Classification: Likely benign for TRMU-related condition. Last evaluated: 2021-03-22. Review status: no assertion criteria provided. Collection method: clinical testing. Allele origin: germline. Not counted in ClinVar's aggregate classification.
Comment: This variant is classified as likely benign based on ACMG/AMP sequence variant interpretation guidelines (Richards et al. 2015 PMID: 25741868, with internal and published modifications).